The following is an entry in ClinVar:

ClinVar aggregate classification (germline): Uncertain significance (1 of 4 stars; one submission).

Conditions:
Early-infantile DEE. Also called: Ohtahara syndrome; Early infantile epileptic encephalopathy with suppression bursts; Early infantile epileptic encephalopathy. Identifiers: Orphanet 1934, MedGen C0393706, MONDO:0800491.

Allele frequency attached by ClinVar (database versions not stated): gnomAD 0.00001; TOPMed 0.00001.
gnomAD v4.1: 2 of 1,614,034 alleles (0.00012%); highest among the groups gnomAD compares: Non-Finnish European, 0.00017%; no homozygotes.

Submission:

Labcorp Genetics (formerly Invitae), Labcorp
Classification: Uncertain significance for Early-infantile DEE. Last evaluated: 2022-11-09. Review status: criteria provided, single submitter. Criteria: Invitae Variant Classification Sherloc (09022015). Collection method: clinical testing. Allele origin: germline.
Comment: This sequence change replaces phenylalanine, which is neutral and non-polar, with leucine, which is neutral and non-polar, at codon 1647 of the SPTAN1 protein (p.Phe1647Leu). This variant is present in population databases (rs748646482, gnomAD 0.0009%). This variant has not been reported in the literature in individuals affected with SPTAN1-related conditions. Algorithms developed to predict the effect of missense changes on protein structure and function (SIFT, PolyPhen-2, Align-GVGD) all suggest that this variant is likely to be tolerated. In summary, the available evidence is currently insufficient to determine the role of this variant in disease. Therefore, it has been classified as a Variant of Uncertain Significance.

NM_001130438.3(SPTAN1):c.4941C>A (p.Phe1647Leu)

Gene: SPTAN1 (spectrin alpha, non-erythrocytic 1; plus strand). Cytogenetic location: 9q34.11.
Variant type: single nucleotide variant.
Coding change: c.4941C>A on transcript NM_001130438.3 (MANE Select); coding-DNA position 4941, C replaced by A.
Protein change: p.Phe1647Leu; replaces phenylalanine 1647 with leucine.
Molecular consequence: missense variant.
Genome position (GRCh38, 1-based): chr9:128,612,144, C>A. VCF-style: chr9-128612144-C-A. GRCh37 (hg19) VCF-style: chr9-131374423-C-A.
Other names: c.4866C>A, p.Phe1622Leu (NM_001195532.2); c.4941C>A, p.Phe1647Leu (NM_001363759.2, NM_001375310.1, NM_001375311.2 and 1 more transcripts); c.4881C>A, p.Phe1627Leu (NM_001363765.2, NM_001375314.2); c.4977C>A, p.Phe1659Leu (NM_001375312.2, NM_001375318.1); c.4926C>A, p.Phe1642Leu (NM_003127.4); short protein forms F1622L, F1647L, F1659L, F1642L, F1627L.
Identifiers: ClinVar variation 1921338 (VCV001921338.5), dbSNP rs748646482, ClinGen allele CA5265349.
Genomic context (GRCh38, chr9:128,612,144, plus strand): 5'-TTTTTGGCTCCCTTCTGTTCCCCAGGCCCGCCTGGCTGCCTTAGCTGACCAGTGGCAGTT[C>A]TTGGTGCAAAAGTCAGCGGAAAAGAGCCAGAAACTGAAAGAAGCCAACAAGCAGCAGAAC-3'
Protein context (NP_001123910.1, residues 1637-1657): RLAALADQWQ[Phe1647Leu]LVQKSAEKSQ